The following is an entry in ClinVar:

NM_000702.4(ATP1A2):c.1550C>A (p.Thr517Asn)

Gene: ATP1A2 (ATPase Na+/K+ transporting subunit alpha 2; plus strand). Cytogenetic location: 1q23.2.
Variant type: single nucleotide variant.
Coding change: c.1550C>A on transcript NM_000702.4 (MANE Select); coding-DNA position 1550, C replaced by A.
Protein change: p.Thr517Asn; replaces threonine 517 with asparagine.
Molecular consequence: missense variant.
Genome position (GRCh38, 1-based): chr1:160,130,190, C>A. VCF-style: chr1-160130190-C-A. GRCh37 (hg19) VCF-style: chr1-160099980-C-A.
Other names: short protein forms T517N.
Identifiers: ClinVar variation 570135 (VCV000570135.14), dbSNP rs749326394, ClinGen allele CA1194519.

ClinVar aggregate classification (germline): Conflicting classifications of pathogenicity. Review status: criteria provided, conflicting classifications (1 of 4 stars). 3 submissions from 3 submitters: Uncertain significance (2); Likely benign (1). Last evaluated 2025-12-23.

Conditions:
Alternating hemiplegia of childhood 1 (AHC1). Identifiers: Orphanet 2131, MedGen C3549447, MONDO:0007087, OMIM 104290.
Migraine, familial hemiplegic, 2. Identifiers: Orphanet 569, MedGen C1865322, MONDO:0011232, OMIM 602481.
Fetal akinesia, respiratory insufficiency, microcephaly, polymicrogyria, and dysmorphic facies. Identifiers: MedGen C5562015, MONDO:0859204, OMIM 619602.
Developmental and epileptic encephalopathy 98. Identifiers: MedGen C5562017, MONDO:0030472, OMIM 619605.
Familial hemiplegic migraine. Identifiers: MedGen C0338484, MONDO:0000700.

Allele frequency attached by ClinVar (database versions not stated): gnomAD 0.00001; gnomAD exomes 0.00002 and 0.00005; TOPMed 0.00002; ExAC 0.00003.
gnomAD v4.1: 15 of 1,614,108 alleles (0.00093%); highest among the groups gnomAD compares: Admixed American, 0.025%; no homozygotes.

Submissions (3):

Labcorp Genetics (formerly Invitae), Labcorp
Classification: Likely benign for Familial hemiplegic migraine. Last evaluated: 2025-12-23. Review status: criteria provided, single submitter. Criteria: Invitae Variant Classification Sherloc (09022015). Collection method: clinical testing. Allele origin: germline.

GeneDx
Classification: Uncertain significance. Last evaluated: 2022-01-05. Review status: criteria provided, single submitter. Criteria: GeneDx Variant Classification Process June 2021. Collection method: clinical testing. Allele origin: germline. Affected: yes.
Comment: In silico analysis supports that this missense variant has a deleterious effect on protein structure/function; Has not been previously published as pathogenic or benign to our knowledge

Fulgent Genetics
Classification: Uncertain significance for Alternating hemiplegia of childhood 1; Migraine, familial hemiplegic, 2; Fetal akinesia, respiratory insufficiency, microcephaly, polymicrogyria, and dysmorphic facies; Developmental and epileptic encephalopathy 98. Last evaluated: 2021-12-06. Review status: criteria provided, single submitter. Criteria: ACMG Guidelines, 2015. Collection method: clinical testing. Allele origin: unknown.